The following is an entry in ClinVar:

ClinVar aggregate classification (germline): Uncertain significance. Review status: criteria provided, multiple submitters, no conflicts (2 of 4 stars). 2 submissions from 2 submitters: Uncertain significance (2). Last evaluated 2024-12-14.

gnomAD v4.1: 53 of 1,613,480 alleles (0.0033%); highest among the groups gnomAD compares: East Asian, 0.051%; no homozygotes.

Submissions (2):

Ambry Genetics
Classification: Uncertain significance. Last evaluated: 2024-12-14. Review status: criteria provided, single submitter. Criteria: Ambry Variant Classification Scheme 2023. Collection method: clinical testing. Allele origin: germline.

Labcorp Genetics (formerly Invitae), Labcorp
Classification: Uncertain significance. Last evaluated: 2024-10-12. Review status: criteria provided, single submitter. Criteria: Invitae Variant Classification Sherloc (09022015). Collection method: clinical testing. Allele origin: germline.
Comment: This sequence change replaces glutamic acid, which is acidic and polar, with lysine, which is basic and polar, at codon 306 of the LSR protein (p.Glu306Lys). This variant is present in population databases (rs375934416, gnomAD 0.006%). This variant has not been reported in the literature in individuals affected with LSR-related conditions. An algorithm developed to predict the effect of missense changes on protein structure and function outputs the following: PolyPhen-2: "Benign". The lysine amino acid residue is found in multiple mammalian species, which suggests that this missense change does not adversely affect protein function. In summary, the available evidence is currently insufficient to determine the role of this variant in disease. Therefore, it has been classified as a Variant of Uncertain Significance.

NM_205834.4(LSR):c.772G>A (p.Glu258Lys)

Gene: LSR (lipolysis stimulated lipoprotein receptor; plus strand). Cytogenetic location: 19q13.12.
Variant type: single nucleotide variant.
Coding change: c.772G>A on transcript NM_205834.4 (MANE Select); coding-DNA position 772, G replaced by A.
Protein change: p.Glu258Lys; replaces glutamic acid 258 with lysine.
Molecular consequence: missense variant. On other transcripts: intron variant (3).
Genome position (GRCh38, 1-based): chr19:35,262,686, G>A. VCF-style: chr19-35262686-G-A. GRCh37 (hg19) VCF-style: chr19-35753589-G-A.
Other names: c.715G>A, p.Glu239Lys (NM_001260489.2, NM_015925.7); c.574+3622G>A (NM_205835.4, NM_001385215.1); c.455-3673G>A (NM_001260490.2); c.916G>A (NM_205834.2); short protein forms E239K, E258K.
Identifiers: ClinVar variation 3613197 (VCV003613197.3).